The following is an entry in ClinVar:

NM_000141.5(FGFR2):c.2369G>A (p.Cys790Tyr)

Gene: FGFR2 (fibroblast growth factor receptor 2; minus strand). Cytogenetic location: 10q26.13.
Variant type: single nucleotide variant.
Coding change: c.2369G>A on transcript NM_000141.5 (MANE Select); coding-DNA position 2369, G replaced by A.
Protein change: p.Cys790Tyr; replaces cysteine 790 with tyrosine.
Molecular consequence: missense variant. On other transcripts: 3 prime UTR variant (1), non-coding transcript variant (1), intron variant (1).
Genome position (GRCh38, 1-based): chr10:121,479,954, C>T on the plus strand (G>A on the coding strand, the complement: FGFR2 is on the minus strand). VCF-style: chr10-121479954-C-T. GRCh37 (hg19) VCF-style: chr10-123239468-C-T.
Other names: c.2033G>A, p.Cys678Tyr (NM_001144914.1); c.2024G>A, p.Cys675Tyr (NM_001144916.2, NM_001441090.1); c.2021G>A, p.Cys674Tyr (NM_001144917.2); c.2018G>A, p.Cys673Tyr (NM_001144918.2); c.1685G>A, p.Cys562Tyr (NM_001320654.2); c.2363G>A, p.Cys788Tyr (NM_001320658.2); c.2366G>A, p.Cys789Tyr (NM_001441087.1); c.2099G>A, p.Cys700Tyr (NM_001441088.1); and 5 more; short protein forms C675Y, C678Y, C790Y, C791Y, C673Y, C700Y, C789Y, C674Y.
Identifiers: ClinVar variation 4742865 (VCV004742865.1).

ClinVar aggregate classification (germline): Uncertain significance (1 of 4 stars; one submission).

Conditions:
FGFR2-related craniosynostosis. Identifiers: MedGen CN231480.

gnomAD v4.1: 23 of 1,614,030 alleles (0.0014%); highest among the groups gnomAD compares: Non-Finnish European, 0.0016%; no homozygotes.

Submission:

Labcorp Genetics (formerly Invitae), Labcorp
Classification: Uncertain significance for FGFR2-related craniosynostosis. Last evaluated: 2025-09-25. Review status: criteria provided, single submitter. Criteria: Invitae Variant Classification Sherloc (09022015). Collection method: clinical testing. Allele origin: germline.
Comment: This sequence change replaces cysteine, which is neutral and slightly polar, with tyrosine, which is neutral and polar, at codon 790 of the FGFR2 protein (p.Cys790Tyr). This variant is present in population databases (rs780497781, gnomAD 0.006%). This variant has not been reported in the literature in individuals affected with FGFR2-related conditions. Invitae Evidence Modeling of protein sequence and biophysical properties (such as structural, functional, and spatial information, amino acid conservation, physicochemical variation, residue mobility, and thermodynamic stability) indicates that this missense variant is not expected to disrupt FGFR2 protein function with a negative predictive value of 80%. In summary, the available evidence is currently insufficient to determine the role of this variant in disease. Therefore, it has been classified as a Variant of Uncertain Significance.